The following is an entry in ClinVar:

ClinVar aggregate classification (germline): Uncertain significance (1 of 4 stars; one submission).

Conditions:
Supravalvar aortic stenosis (SVAS). Also called: Supravalvar aortic stenosis, Eisenberg type. Identifiers: Orphanet 3193, MedGen C0003499, MONDO:0008504, OMIM 185500, HP:0004381.

Submission:

Labcorp Genetics (formerly Invitae), Labcorp
Classification: Uncertain significance for Supravalvar aortic stenosis. Last evaluated: 2022-01-20. Review status: criteria provided, single submitter. Criteria: Invitae Variant Classification Sherloc (09022015). Collection method: clinical testing. Allele origin: germline.
Comment: In summary, the available evidence is currently insufficient to determine the role of this variant in disease. Therefore, it has been classified as a Variant of Uncertain Significance. Experimental studies and prediction algorithms are not available or were not evaluated, and the effect of this variant on mRNA splicing is currently unknown. This variant has not been reported in the literature in individuals affected with ELN-related conditions. This variant is not present in population databases (gnomAD no frequency). This sequence change falls in intron 22 of the ELN gene. It does not directly change the encoded amino acid sequence of the ELN protein.

NM_000501.4(ELN):c.1358-30_1358-19del

Gene: ELN (elastin; plus strand). Cytogenetic location: 7q11.23.
Variant type: Deletion.
Coding change: c.1358-30_1358-19del on transcript NM_000501.4 (MANE Select); 30 bases into the intron before coding-DNA position 1358 through 19 bases into the intron before coding-DNA position 1358, 12 bases deleted (CTCTCTCACCCC).
Molecular consequence: intron variant.
Genome position (GRCh38, 1-based): chr7:74,057,610-74,057,621, CTCTCTCACCCC deleted. VCF-style (leftmost placement, unchanged base first): chr7-74057609-ACTCTCTCACCCC-A. GRCh37 (hg19) VCF-style: chr7-73471939-ACTCTCTCACCCC-A.
Other names: c.1373-30_1373-19del (NM_001081754.3); c.1372+897_1372+908del (NM_001081753.3); c.1445-30_1445-19del (NM_001278939.2); c.1358-30_1358-19del (NM_001278915.2, NM_001278912.2); c.1357+897_1357+908del (NM_001081755.3); c.1315+897_1315+908del (NM_001278916.2); c.1171+897_1171+908del (NM_001278913.2); c.1342+897_1342+908del (NM_001278914.2); and 3 more.
Identifiers: ClinVar variation 2134362 (VCV002134362.4), dbSNP rs2486122507, ClinGen allele CA2578907732.
Genomic context (GRCh38, chr7:74,057,609, plus strand): 5'-CATTTTACAAATGGGAAGACTGAGCCTAGAGATGGGAAGCAGGGAGGGGTGTGAGAGATT[ACTCTCTCACCCC>A]TTCTCTTCACACCTCCAGGAGTGGGGACCCCAGCAGCTGCAGCTGCTAAAGCAGCCGCCA-3'